The following continues an entry in ClinVar:

NM_000257.4(MYH7):c.709C>T (p.Arg237Trp)

Gene: MYH7. ClinVar aggregate classification (germline): Conflicting classifications of pathogenicity. Pathogenic (5); Likely pathogenic (10); Uncertain significance (1).

Submissions 6 to 16 of 16:

All of Us Research Program, National Institutes of Health
Classification: Likely pathogenic for Primary dilated cardiomyopathy. Last evaluated: 2024-09-23. Review status: criteria provided, single submitter. Criteria: ACMG Guidelines, 2015. Collection method: clinical testing. Allele origin: germline. Inheritance: Autosomal dominant inheritance. Observed: 3 variant alleles, 3 heterozygotes.
Comment: The c.709C>T (p.Arg237Trp) variant in MYH7 gene, that encodes for myosin heavy chain 7, has been identified in at least three individuals affected with Dilated Cardiomyopathy (DCM) (PMID:27532257, 28416588) and segregated with disease in six affected relatives in one family (internal data from a ClinVar submitter, ClinVar ID: 43098). In addition, this variant has been reported in individuals with DCM who also harbor pathogenic variants in LDB3 or TTN genes (PMID: 19412328, 28045975). This variant lies in the established functional domain (amino acids 181-937) of the MYH7 protein without benign variations, and missense variants in this region are statistically more likely to be disease-associated (PMID: 27532257, 27247418). In-silico computational prediction tools suggest that the p.Arg237Trp variant may have deleterious effect on the protein function (REVEL score: 0.815). This variant is found to be rare (3/251496; 0.001193%) in the general population database, gnomAD and interpreted as likely pathogenic/pathogenic by several submitters in the ClinVar database (ClinVar ID: 43098). Therefore, the c.709C>T (p.Arg237Trp) variant in the MYH7 gene is classified as likely pathogenic.

This study involves interpretation of variants in research participants for the purpose of population health screening. Participant phenotype was not available at the time of variant classification. Additional details can be found in publication PMID: 35346344, PMCID: PMC8962531

Color Diagnostics, LLC DBA Color Health
Classification: Likely pathogenic for Cardiomyopathy. Last evaluated: 2024-05-29. Review status: criteria provided, single submitter. Criteria: ACMG Guidelines, 2015. Collection method: clinical testing. Allele origin: germline.
Comment: This missense variant replaces arginine with tryptophan at codon 237 in the myosin head/motor (S1) domain of the MYH7 protein. Computational prediction tools indicate that this variant has a deleterious impact on protein structure and function. Functional studies using recombinant MYH7 protein has shown that this variant may cause altered rate constants (PMID: 29666183, 29867217); the clinical relevance of this observation is not known. This variant has been reported in several individuals affected with dilated cardiomyopathy (PMID: 19412328, 24503780, 28045975, 28416588, 27532257, 31514951, 37904629; ClinVar variation ID: 43098). It has been shown that this variant segregates with disease in 6 affected individuals from one family (communication with an external laboratory; ClinVar SCV000059645.6). This variant has been identified in 3/251496 chromosomes in the general population by the Genome Aggregation Database (gnomAD). Based on the available evidence, this variant is classified as Likely Pathogenic.

Fulgent Genetics
Classification: Likely pathogenic for MYH7-related skeletal myopathy; Hypertrophic cardiomyopathy 1; Myopathy, myosin storage, autosomal recessive; Myosin storage myopathy; Dilated cardiomyopathy 1S. Last evaluated: 2024-05-01. Review status: criteria provided, single submitter. Criteria: ACMG Guidelines, 2015. Collection method: clinical testing. Allele origin: germline.

Blueprint Genetics
Classification: Pathogenic for MYH7-related disorders. Last evaluated: 2024-01-08. Review status: criteria provided, single submitter. Criteria: ACMG Guidelines, 2015. Collection method: clinical testing. Allele origin: germline. Affected: yes. Observed: 2 variant alleles.

Molecular Genetics, Royal Melbourne Hospital
Classification: Likely pathogenic for Primary dilated cardiomyopathy. Last evaluated: 2024-01-05. Review status: criteria provided, single submitter. Criteria: ACMG Guidelines, 2015. Collection method: clinical testing. Allele origin: germline. Inheritance: Autosomal dominant inheritance. Affected: yes.
Comment: This sequence change in MYH7 is predicted to replace arginine with tryptophan at codon 237, p.(Arg237Trp). The arginine residue is highly conserved (100 vertebrates, Multiz Alignments), and is located in the myosin head domain, a region (amino acids 167-931) that is defined as a mutational hotspot (PMID: 30696458). There is a large physicochemical difference between arginine and tryptophan. The highest population minor allele frequency in the population database gnomAD v4.0 is 0.005% (3/59,026 alleles) in the admixed American population, which is consistent with dilated cardiomyopathy. This variant has been reported in at least six probands with dilated cardiomyopathy (DCM) and to segregate with DCM in at least one family (PMID: 16911908, 27532257; ClinVar: SCV000059645.6, SCV000207088.1, SCV000208814.11, SCV001443153.1, SCV002073292.1). This variant has also been observed with a TTN truncating variant in an individual with DCM (PMID: 28045975). The variant alters enzyme activity in functional studies (with limited validation) by reducing protein function, which is consistent with DCM-associated pathogenic MYH7 variants (PMID: 29666183, 29867217). Computational evidence predicts a deleterious effect for the missense substitution (REVEL = 0.815). Based on the classification scheme RMH Modified ACMG/AMP Guidelines v1.6.1, this variant is classified as LIKELY PATHOGENIC. Following criteria are met: PM1, PS4_Moderate, PM2_Supporting, PP1, PP3, PS3_Supporting.

Petrovsky National Research Centre of Surgery, The Federal Agency for Scientific Organizations
Classification: Likely pathogenic. Last evaluated: 2020-11-16. Review status: criteria provided, single submitter. Criteria: ACMG Guidelines, 2015. Collection method: clinical testing. Allele origin: unknown. Inheritance: Autosomal dominant inheritance. Affected: yes. Observed: 1 heterozygote.
Comment: The c.709C>T (p.R237W) variant is a known rare variant with frequency approx. 1.193e-5 (gnomAD). It was previously described in the patients with DCM. Its functional impact was shown in the studies of Liu et al (2018) and Ujfalusi et al (2018). Additionally, it should be noted that the p.R237W variant is a missense variant in MYH7 gene with z-score of 3.93 (gnomAD), therefore, MYH7 gene is likely to be intolerant of missense changes. In silico programs (PolyPhen2, MutationTaster, SIFT) also classify the p.R237W variant as probably pathogenic. Based on the evidence, we classify the c.709C>T (p.R237W) variant as likely pathogenic. The c.709C>T (p.R237W) variant was observed in combination with the p.Q1233* variant in MYBPC3 gene. Both variants were at heterozygous state.

Human Genome Sequencing Center Clinical Lab, Baylor College of Medicine
Classification: Likely pathogenic for hypertrophic cardiomyopathy. Last evaluated: 2018-06-18. Review status: criteria provided, single submitter. Criteria: ACMG Guidelines, 2015. Collection method: clinical testing. Allele origin: unknown.
Comment: The c.709C>T (p.Arg237Trp) variant in MYH7 gene, that encodes for myosin heavy chain 7, has been identified in at least three individuals affected with Dilated Cardiomyopathy (DCM) (PMID:27532257, 28416588) and segregated with disease in six affected relatives in one family (internal data from a ClinVar submitter, ClinVar ID: 43098). In addition, this variant has been reported in individuals with DCM who also harbor pathogenic variants in LDB3 or TTN genes (PMID: 19412328, 28045975). This variant lies in the established functional domain (amino acids 181-937) of the MYH7 protein without benign variations, and missense variants in this region are statistically more likely to be disease-associated (PMID: 27532257, 27247418). In-silico computational prediction tools suggest that the p.Arg237Trp variant may have deleterious effect on the protein function (REVEL score: 0.815). This variant is found to be rare (3/251496; 0.001193%) in the general population database, gnomAD and interpreted as likely pathogenic/pathogenic by several submitters in the ClinVar database (ClinVar ID: 43098). Therefore, the c.709C>T (p.Arg237Trp) variant in the MYH7 gene is classified as likely pathogenic.

Center for Advanced Laboratory Medicine, UC San Diego Health, University of California San Diego
Classification: Pathogenic for Cardiomyopathy. Last evaluated: 2018-04-23. Review status: criteria provided, single submitter. Criteria: ACMG Guidelines, 2015. Collection method: clinical testing. Allele origin: germline. Affected: yes. Observed: 1 variant allele.

Laboratory for Molecular Medicine, Mass General Brigham Personalized Medicine
Classification: Pathogenic for Primary dilated cardiomyopathy. Last evaluated: 2015-04-22. Review status: criteria provided, single submitter. Criteria: LMM Criteria. Collection method: clinical testing. Allele origin: germline. Inheritance: Autosomal dominant inheritance. Observed: 10 variant alleles.
Comment: This v ariant has also been reported in the literature in 1 individual with DCM (Hershb erger 2008). This variant has been identified in 1/11608 of Latino chromosomes b y the Exome Aggregation Consortium (ExAC; dbSNP rs45516091). Please note that for diseases with clinical variability and reduced penetrance, pathogenic variants may be present at a low frequency in the genera l population. Computational prediction tools and conservation analysis suggest t hat this variant may impact the protein, though this information is not predicti ve enough to determine pathogenicity. In summary, this variant meets our criteri a to be classified as pathogenic for DCM in an autosomal dominant manner based on segregation studies and ex tremely low frequency in controls.

Stanford Center for Inherited Cardiovascular Disease, Stanford University
Classification: Uncertain significance. Last evaluated: 2014-12-23. Review status: criteria provided, single submitter. Criteria: ACMG Guidelines, 2015. Collection method: provider interpretation. Allele origin: germline.

Neuberg Centre For Genomic Medicine, NCGM
Classification: Likely pathogenic for Dilated cardiomyopathy 1S. Review status: criteria provided, single submitter. Criteria: ACMG Guidelines, 2015. Collection method: clinical testing. Allele origin: germline. Inheritance: Autosomal dominant inheritance. Affected: yes.
Comment: The missense variant p.R237W in MYH7 (NM_000257.4) has been reported previously in several individuals affected with dilated cardiomyopathy, two of whom harbored another variant in LDB3 and TTN respectively (Walsh R et al; Dal Ferro M et al; Hershberger et al; Kelly M et al). It has been submitted to ClinVar with varying interpretations of Pathogenicty: Likely Pathogenic/VUS. This variant is found within a region of MYH7 between codons 181 and 937 that contains the majority of the myosin head domain. Missense variants in this region have been shown to be significantly overrepresented in individuals with hypertrophic cardiomyopathy. The p.R237W variant is observed in 3/34,592 (0.0087%) alleles from individuals of Latino background in gnomAD Exomes and is novel (not in any individuals) in 1000 Genomes. The variant is predicted to be damaging by in silico predictions and the residue is weakly conserved across species. For these reasons, this variant has been classified as Likely Pathogenic.

Literature cited by the submitters: PubMed 19412328 (cited by 6 submitters); PubMed 35629155 (cited by Women's Health and Genetics/Laboratory Corporation of America, LabCorp); PubMed 39454940 (cited by Women's Health and Genetics/Laboratory Corporation of America, LabCorp); PubMed 29666183 (cited by 5 submitters); PubMed 27532257 (cited by 5 submitters); PubMed 28416588 (cited by 4 submitters); PubMed 28045975 (cited by 4 submitters); PubMed 31514951 (cited by Ambry Genetics and Color Diagnostics, LLC DBA Color Health); PubMed 27247418 (cited by All of Us Research Program, National Institutes of Health); PubMed 24503780 (cited by Color Diagnostics, LLC DBA Color Health); PubMed 29867217 (cited by Color Diagnostics, LLC DBA Color Health and Molecular Genetics, Royal Melbourne Hospital); PubMed 37904629 (cited by Color Diagnostics, LLC DBA Color Health); PubMed 16911908 (cited by Molecular Genetics, Royal Melbourne Hospital); PubMed 30696458 (cited by Molecular Genetics, Royal Melbourne Hospital); DOI 10.15829/1560-4071-2016-10-98-104 (cited by Petrovsky National Research Centre of Surgery, The Federal Agency for Scientific Organizations); DOI 10.1038/s41594-018-0069-x (cited by Petrovsky National Research Centre of Surgery, The Federal Agency for Scientific Organizations); DOI 10.1074/jbc.RA118.001938 (cited by Petrovsky National Research Centre of Surgery, The Federal Agency for Scientific Organizations).